The following is an entry in ClinVar:

NM_001378454.1(ALMS1):c.3689G>A (p.Gly1230Glu)

Gene: ALMS1 (ALMS1 centrosome and basal body associated protein; plus strand). Cytogenetic location: 2p13.1.
Variant type: single nucleotide variant.
Coding change: c.3689G>A on transcript NM_001378454.1 (MANE Select); coding-DNA position 3689, G replaced by A.
Protein change: p.Gly1230Glu; replaces glycine 1230 with glutamic acid.
Molecular consequence: missense variant.
Genome position (GRCh38, 1-based): chr2:73,450,216, G>A. VCF-style: chr2-73450216-G-A. GRCh37 (hg19) VCF-style: chr2-73677343-G-A.
Other names: c.3692G>A, p.Gly1231Glu (NM_015120.4); short protein forms G1231E, G1230E.
Identifiers: ClinVar variation 403935 (VCV000403935.20), dbSNP rs372619046, ClinGen allele CA1713573.

ClinVar aggregate classification (germline): Conflicting classifications of pathogenicity. Review status: criteria provided, conflicting classifications (1 of 4 stars). 7 submissions from 7 submitters: Uncertain significance (5); Likely benign (2). Last evaluated 2023-12-01.

Conditions:
Cardiovascular phenotype. Identifiers: MedGen CN230736.
Alstrom syndrome (ALMS). Identifiers: Orphanet 64, MedGen C0268425, MONDO:0008763, OMIM 203800.

Allele frequency attached by ClinVar (database versions not stated): gnomAD exomes 0.00002 and 0.00004; ExAC 0.00006; ESP Exome Variant Server 0.00017; gnomAD 0.00022 and 0.00023; TOPMed 0.00035; 1000 Genomes Project 0.00060; 1000 Genomes Project 30x 0.00078.
gnomAD v4.1: 70 of 1,612,382 alleles (0.0043%); highest among the groups gnomAD compares: African/African-American, 0.043%; no homozygotes.

Submissions (7):

GeneDx
Classification: Uncertain significance. Last evaluated: 2023-12-01. Review status: criteria provided, single submitter. Criteria: GeneDx Variant Classification Process June 2021. Collection method: clinical testing. Allele origin: germline. Affected: yes.
Comment: In silico analysis supports that this missense variant has a deleterious effect on protein structure/function; Has not been previously published as pathogenic or benign to our knowledge

Ambry Genetics
Classification: Uncertain significance for Cardiovascular phenotype. Last evaluated: 2023-10-06. Review status: criteria provided, single submitter. Criteria: Ambry Variant Classification Scheme 2023. Collection method: clinical testing. Allele origin: germline.
Comment: The p.G1231E variant (also known as c.3692G>A), located in coding exon 8 of the ALMS1 gene, results from a G to A substitution at nucleotide position 3692. The glycine at codon 1231 is replaced by glutamic acid, an amino acid with similar properties. This amino acid position is not well conserved in available vertebrate species. In addition, this alteration is predicted to be tolerated by in silico analysis. Since supporting evidence is limited at this time, the clinical significance of this alteration remains unclear.

Labcorp Genetics (formerly Invitae), Labcorp
Classification: Uncertain significance for Alstrom syndrome. Last evaluated: 2022-09-27. Review status: criteria provided, single submitter. Criteria: Invitae Variant Classification Sherloc (09022015). Collection method: clinical testing. Allele origin: germline.
Comment: This sequence change replaces glycine, which is neutral and non-polar, with glutamic acid, which is acidic and polar, at codon 1231 of the ALMS1 protein (p.Gly1231Glu). This variant is present in population databases (rs372619046, gnomAD 0.04%). This variant has not been reported in the literature in individuals affected with ALMS1-related conditions. ClinVar contains an entry for this variant (Variation ID: 403935). Experimental studies and prediction algorithms are not available or were not evaluated, and the functional significance of this variant is currently unknown. In summary, the available evidence is currently insufficient to determine the role of this variant in disease. Therefore, it has been classified as a Variant of Uncertain Significance.

Blueprint Genetics
Classification: Uncertain significance. Last evaluated: 2022-08-18. Review status: criteria provided, single submitter. Criteria: ACMG Guidelines, 2015. Collection method: clinical testing. Allele origin: germline.

Genetic Services Laboratory, University of Chicago
Classification: Uncertain significance. Last evaluated: 2021-11-29. Review status: criteria provided, single submitter. Criteria: ACMG Guidelines, 2015. Collection method: clinical testing. Allele origin: germline. Affected: no.
Comment: DNA sequence analysis of the ALMS1 gene demonstrated a sequence change, c.3692G>A, in exon 8 that results in an amino acid change, p.Gly1231Glu. This sequence change has been described in the gnomAD database with a frequency of 0.037% in the African/African American subpopulation (dbSNP rs372619046). The p.Gly1231Glu change affects a moderately conserved amino acid residue located in a domain of the ALMS1 protein that is not known to be functional. In-silico pathogenicity prediction tools (SIFT, PolyPhen2, Align GVGD, REVEL) provide contradictory results for the p.Gly1231Glu substitution. This sequence change does not appear to have been previously described in individuals with ALMS1-related disorders. Due to insufficient evidences and the lack of functional studies, the clinical significance of the p.Gly1231Glu change remains unknown at this time.

Women's Health and Genetics/Laboratory Corporation of America, LabCorp
Classification: Likely benign. Last evaluated: 2021-11-01. Review status: criteria provided, single submitter. Criteria: LabCorp Variant Classification Summary - May 2015. Collection method: clinical testing. Allele origin: germline.
Comment: Variant summary: ALMS1 c.3686G>A (p.Gly1229Glu) results in a non-conservative amino acid change located in an Alstrom syndrome repeat (IPR040972) of the encoded protein sequence. Three of four in-silico tools predict a benign effect of the variant on protein function. The variant allele was found at a frequency of 0.00023 in 149254 control chromosomes, predominantly at a frequency of 0.0011 within the Latino subpopulation in the gnomAD database (gnomAD v3.1, genomes dataset). This frequency is somewhat lower than the maximum expected for a pathogenic variant in ALMS1 causing Alstrom Syndrome with Dilated Cardiomyopathy (0.0018), allowing no clear conclusions about variant significance. To our knowledge, no occurrence of c.3686G>A in individuals affected with Alstrom Syndrome with Dilated Cardiomyopathy and no experimental evidence demonstrating its impact on protein function have been reported. Three clinical diagnostic laboratories have submitted clinical-significance assessments for this variant to ClinVar after 2014, and classified the variant as VUS (n=2) or likely benign (n=1). Based on the evidence outlined above, the variant was classified as likely benign.

Laboratory for Molecular Medicine, Mass General Brigham Personalized Medicine
Classification: Likely benign. Last evaluated: 2019-11-18. Review status: criteria provided, single submitter. Criteria: LMM Criteria. Collection method: clinical testing. Allele origin: germline. Observed: 1 variant allele.
Comment: The p.Gly1231Glu variant in ALMS1 is classified as likely benign due to a lack of conservation across species. Three mammals (rabbit, pika, white rhinoceros) carry a glutamic acid (Glu) at this position. ACMG/AMP Criteria applied: BP4_Strong.